The following is an entry in ClinVar:

NM_001289125.3(IFNAR2):c.393C>G (p.Asp131Glu)

Genes: IFNAR2 (interferon alpha and beta receptor subunit 2; plus strand), IFNAR2-IL10RB (IFNAR2-IL10RB readthrough; plus strand). Cytogenetic location: 21q22.11.
Variant type: single nucleotide variant.
Coding change: c.393C>G on transcript NM_001289125.3 (MANE Select); coding-DNA position 393, C replaced by G.
Protein change: p.Asp131Glu; replaces aspartic acid 131 with glutamic acid.
Molecular consequence: missense variant.
Genome position (GRCh38, 1-based): chr21:33,246,889, C>G. VCF-style: chr21-33246889-C-G. GRCh37 (hg19) VCF-style: chr21-34619194-C-G.
Other names: c.393C>G, p.Asp131Glu (NM_000874.5, NM_001289126.2, NM_001289128.2 and 4 more transcripts); short protein forms D131E.
Identifiers: ClinVar variation 1014936 (VCV001014936.9), dbSNP rs1987461458, ClinGen allele CA410097868.

ClinVar aggregate classification (germline): Uncertain significance (1 of 4 stars; one submission).

Allele frequency attached by ClinVar (database versions not stated): gnomAD exomes 0.00001.
gnomAD v4.1: 11 of 1,612,120 alleles (0.00068%); highest among the groups gnomAD compares: Non-Finnish European, 0.00076%; no homozygotes.

Submission:

Labcorp Genetics (formerly Invitae), Labcorp
Classification: Uncertain significance. Last evaluated: 2022-11-28. Review status: criteria provided, single submitter. Criteria: Invitae Variant Classification Sherloc (09022015). Collection method: clinical testing. Allele origin: germline.
Comment: This sequence change replaces aspartic acid, which is acidic and polar, with glutamic acid, which is acidic and polar, at codon 131 of the IFNAR2 protein (p.Asp131Glu). This variant is not present in population databases (gnomAD no frequency). This variant has not been reported in the literature in individuals affected with IFNAR2-related conditions. ClinVar contains an entry for this variant (Variation ID: 1014936). Algorithms developed to predict the effect of missense changes on protein structure and function output the following: SIFT: "Tolerated"; PolyPhen-2: "Benign"; Align-GVGD: "Class C0". The glutamic acid amino acid residue is found in multiple mammalian species, which suggests that this missense change does not adversely affect protein function. In summary, the available evidence is currently insufficient to determine the role of this variant in disease. Therefore, it has been classified as a Variant of Uncertain Significance.